The following is an entry in ClinVar:

ClinVar aggregate classification (germline): Uncertain significance. Review status: criteria provided, multiple submitters, no conflicts (2 of 4 stars). 3 submissions from 3 submitters: Uncertain significance (3). Last evaluated 2025-12-16.

Conditions:
Inborn genetic diseases. Identifiers: MedGen C0950123, MeSH D030342.
Melnick-Fraser syndrome (BOR). Also called: Branchiootorenal syndrome; Branchio-oto-renal syndrome; Branchiootorenal Syndrome (BORS). Identifiers: Orphanet 107, MedGen C0265234, MONDO:0007029.

Allele frequency attached by ClinVar (database versions not stated): ExAC 0.00002.

Submissions (3):

Ambry Genetics
Classification: Uncertain significance for Inborn genetic diseases. Last evaluated: 2025-12-16. Review status: criteria provided, single submitter. Criteria: Ambry Variant Classification Scheme 2023. Collection method: clinical testing. Allele origin: germline.

Blueprint Genetics
Classification: Uncertain significance. Last evaluated: 2023-07-20. Review status: criteria provided, single submitter. Criteria: ACMG Guidelines, 2015. Collection method: clinical testing. Allele origin: germline.

Labcorp Genetics (formerly Invitae), Labcorp
Classification: Uncertain significance for Melnick-Fraser syndrome. Last evaluated: 2022-01-18. Review status: criteria provided, single submitter. Criteria: Invitae Variant Classification Sherloc (09022015). Collection method: clinical testing. Allele origin: germline.
Comment: This sequence change replaces asparagine, which is neutral and polar, with serine, which is neutral and polar, at codon 38 of the EYA1 protein (p.Asn38Ser). This variant is present in population databases (rs750274491, gnomAD 0.01%). In summary, the available evidence is currently insufficient to determine the role of this variant in disease. Therefore, it has been classified as a Variant of Uncertain Significance. Algorithms developed to predict the effect of sequence changes on RNA splicing suggest that this variant may create or strengthen a splice site. Algorithms developed to predict the effect of missense changes on protein structure and function are either unavailable or do not agree on the potential impact of this missense change (SIFT: "Tolerated"; PolyPhen-2: "Probably Damaging"; Align-GVGD: "Class C0"). This variant has not been reported in the literature in individuals affected with EYA1-related conditions.

NM_000503.6(EYA1):c.113A>G (p.Asn38Ser)

Gene: EYA1 (EYA transcriptional coactivator and phosphatase 1; minus strand). Cytogenetic location: 8q13.3.
Variant type: single nucleotide variant.
Coding change: c.113A>G on transcript NM_000503.6 (MANE Select); coding-DNA position 113, A replaced by G.
Protein change: p.Asn38Ser; replaces asparagine 38 with serine.
Molecular consequence: missense variant. On other transcripts: 5 prime UTR variant (1).
Genome position (GRCh38, 1-based): chr8:71,354,793, T>C on the plus strand (A>G on the coding strand, the complement: EYA1 is on the minus strand). VCF-style: chr8-71354793-T-C. GRCh37 (hg19) VCF-style: chr8-72267028-T-C.
Other names: c.113A>G, p.Asn38Ser (NM_001288574.2, NM_001370334.1, NM_001370335.1 and 1 more transcripts); c.-172A>G (NM_001288575.2); c.200A>G, p.Asn67Ser (NM_001370333.1, NM_001370336.1, NM_172059.5); c.113A>G (NM_000503.4); short protein forms N38S, N67S.
Identifiers: ClinVar variation 2196870 (VCV002196870.6), dbSNP rs750274491, ClinGen allele CA4779924.